The following is an entry in ClinVar:

ClinVar aggregate classification (germline): Pathogenic. Review status: reviewed by expert panel (3 of 4 stars). 2 submissions from 2 submitters: Pathogenic (1). 1 of the submissions does not count toward it. Last evaluated 2017-12-15.

Conditions:
Hereditary cancer-predisposing syndrome. Also called: Tumor predisposition; Hereditary Cancer Syndrome; Hereditary neoplastic syndrome; Neoplastic Syndromes, Hereditary. Identifiers: Orphanet 140162, MedGen C0027672, MeSH D009386, MONDO:0015356.
Breast-ovarian cancer, familial, susceptibility to, 2 (BROVCA2). Also called: BRCA2 Hereditary Breast and Ovarian Cancer. Identifiers: Orphanet 145, MedGen C2675520, MONDO:0012933, OMIM 612555. Disease mechanism: loss of function.

Submissions (2):

Evidence-based Network for the Interpretation of Germline Mutant Alleles (ENIGMA)
Classification: Pathogenic for Breast-ovarian cancer, familial, susceptibility to, 2. Last evaluated: 2017-12-15. Review status: reviewed by expert panel. Criteria: ENIGMA BRCA1/2 Classification Criteria (2017-06-29). Collection method: curation. Allele origin: germline. Study: ENIGMA.
Comment: Variant allele predicted to encode a truncated non-functional protein.

Ambry Genetics
Classification: Pathogenic for Hereditary cancer-predisposing syndrome. Last evaluated: 2015-09-20. Review status: criteria provided, single submitter. Criteria: Ambry Variant Classification Scheme 2023. Collection method: clinical testing. Allele origin: germline. Not counted in ClinVar's aggregate classification.
Comment: The c.4447delA pathogenic mutation, located in coding exon 10 of the BRCA2 gene, results from a deletion of one nucleotide at nucleotide position 4447, causing a translational frameshift with a predicted alternate stop codon. Since frameshifts are typically deleterious in nature, this alteration is interpreted as a disease-causing mutation (ACMG Recommendations for Standards for Interpretation and Reporting of Sequence Variations. Revision 2007. Genet Med. 2008;10:294).

NM_000059.4(BRCA2):c.4447del (p.Thr1483fs)

Gene: BRCA2 (BRCA2 DNA repair associated; plus strand). Cytogenetic location: 13q13.1.
Variant type: Deletion.
Coding change: c.4447del on transcript NM_000059.4 (MANE Select); coding-DNA position 4447, one base deleted (A; older notation c.4447delA).
Protein change: p.Thr1483fs; shifts the reading frame from threonine 1483.
Molecular consequence: frameshift variant.
Genome position (GRCh38, 1-based): chr13:32,338,802, A deleted; the last of 3 consecutive A bases (chr13:32,338,800-32,338,802); deleting any one gives the same sequence. VCF-style (leftmost placement, unchanged base first): chr13-32338799-GA-G. GRCh37 (hg19) VCF-style: chr13-32912936-GA-G.
Other names: c.4447delA (NM_000059.3); short protein forms T1483fs.
Identifiers: ClinVar variation 233953 (VCV000233953.7), dbSNP rs876660755, ClinGen allele CA10579616.